The following is an entry in ClinVar:

NC_000016.10:g.(?_23603162)_(23603670_23607863)del

Gene: PALB2 (partner and localizer of BRCA2; minus strand). Cytogenetic location: 16p12.2.
Variant type: Deletion.
Identifiers: ClinVar variation 830205 (VCV000830205.2).

ClinVar aggregate classification (germline): Pathogenic (0 of 4 stars; one submission).

Conditions:
Familial cancer of breast. Also called: BREAST CANCER, FAMILIAL; Hereditary breast cancer; hereditary breast carcinoma. Identifiers: Orphanet 227535, MedGen C0346153, MONDO:0016419, OMIM 114480. Disease mechanism: loss of function.

Submission:

Leiden Open Variation Database
Classification: Pathogenic for Familial cancer of breast. Last evaluated: 2019-05-13. Review status: no assertion criteria provided. Collection method: curation. Allele origin: germline. Affected: yes.
Comment: Curators: Marc Tischkowitz, Arleen D. Auerbach. Submitter to LOVD: Marc Tischkowitz.

Literature cited by the submitters: PubMed 25099575.